The following is an entry in ClinVar:

ClinVar aggregate classification (germline): Uncertain significance (1 of 4 stars; one submission).

Allele frequency attached by ClinVar (database versions not stated): ExAC 0.00002; gnomAD exomes 0.00002; TOPMed 0.00002.
gnomAD v4.1: 28 of 1,614,072 alleles (0.0017%); highest among the groups gnomAD compares: South Asian, 0.0077%; no homozygotes.

Submission:

Labcorp Genetics (formerly Invitae), Labcorp
Classification: Uncertain significance. Last evaluated: 2024-10-30. Review status: criteria provided, single submitter. Criteria: Invitae Variant Classification Sherloc (09022015). Collection method: clinical testing. Allele origin: germline.
Comment: This sequence change replaces arginine, which is basic and polar, with cysteine, which is neutral and slightly polar, at codon 922 of the DENND5A protein (p.Arg922Cys). This variant is present in population databases (rs761947253, gnomAD 0.01%). This missense change has been observed in individual(s) with developmental disorder or neurodevelopmental disorder (PMID: 33057194, 35982159). ClinVar contains an entry for this variant (Variation ID: 1926184). Invitae Evidence Modeling of protein sequence and biophysical properties (such as structural, functional, and spatial information, amino acid conservation, physicochemical variation, residue mobility, and thermodynamic stability) indicates that this missense variant is expected to disrupt DENND5A protein function with a positive predictive value of 80%. In summary, the available evidence is currently insufficient to determine the role of this variant in disease. Therefore, it has been classified as a Variant of Uncertain Significance.

Literature cited by the submitters: PubMed 33057194; PubMed 35982159.

NM_015213.4(DENND5A):c.2764C>T (p.Arg922Cys)

Gene: DENND5A (DENN domain containing 5A; minus strand). Cytogenetic location: 11p15.4.
Variant type: single nucleotide variant.
Coding change: c.2764C>T on transcript NM_015213.4 (MANE Select); coding-DNA position 2764, C replaced by T.
Protein change: p.Arg922Cys; replaces arginine 922 with cysteine.
Molecular consequence: missense variant. On other transcripts: non-coding transcript variant (1).
Genome position (GRCh38, 1-based): chr11:9,147,123, G>A on the plus strand (C>T on the coding strand, the complement: DENND5A is on the minus strand). VCF-style: chr11-9147123-G-A. GRCh37 (hg19) VCF-style: chr11-9168670-G-A.
Other names: c.2764C>T, p.Arg922Cys (NM_001243254.2, NM_001348748.1); c.2692C>T, p.Arg898Cys (NM_001348749.2); c.2476C>T, p.Arg826Cys (NM_001348750.2); short protein forms R898C, R826C, R922C.
Identifiers: ClinVar variation 1926184 (VCV001926184.4), dbSNP rs761947253, ClinGen allele CA5877229.